The following is an entry in ClinVar:

NM_006245.4(PPP2R5D):c.818G>A (p.Arg273Gln)

Gene: PPP2R5D (protein phosphatase 2 regulatory subunit B'delta; plus strand). Cytogenetic location: 6p21.1.
Variant type: single nucleotide variant.
Coding change: c.818G>A on transcript NM_006245.4 (MANE Select); coding-DNA position 818, G replaced by A.
Protein change: p.Arg273Gln; replaces arginine 273 with glutamine.
Molecular consequence: missense variant.
Genome position (GRCh38, 1-based): chr6:43,008,026, G>A. VCF-style: chr6-43008026-G-A. GRCh37 (hg19) VCF-style: chr6-42975764-G-A.
Other names: c.365G>A, p.Arg122Gln (NM_001270476.2); c.722G>A, p.Arg241Gln (NM_180976.3); c.500G>A, p.Arg167Gln (NM_180977.3); short protein forms R122Q, R167Q, R273Q, R241Q.
Identifiers: ClinVar variation 2850736 (VCV002850736.3), dbSNP rs2068385053, ClinGen allele CA364189933.

ClinVar aggregate classification (germline): Uncertain significance (1 of 4 stars; one submission).

Allele frequency attached by ClinVar (database versions not stated): gnomAD 0.00001; gnomAD exomes below 0.00001.

Submission:

Labcorp Genetics (formerly Invitae), Labcorp
Classification: Uncertain significance. Last evaluated: 2025-11-15. Review status: criteria provided, single submitter. Criteria: Invitae Variant Classification Sherloc (09022015). Collection method: clinical testing. Allele origin: germline.
Comment: This sequence change replaces arginine, which is basic and polar, with glutamine, which is neutral and polar, at codon 273 of the PPP2R5D protein (p.Arg273Gln). This variant is not present in population databases (gnomAD no frequency). This variant has not been reported in the literature in individuals affected with PPP2R5D-related conditions. ClinVar contains an entry for this variant (Variation ID: 2850736). An algorithm developed to predict the effect of missense changes on protein structure and function (PolyPhen-2) suggests that this variant is likely to be disruptive. In summary, the available evidence is currently insufficient to determine the role of this variant in disease. Therefore, it has been classified as a Variant of Uncertain Significance.